The following is an entry in ClinVar:

NM_015046.7(SETX):c.7139G>A (p.Arg2380Gln)

Gene: SETX (senataxin; minus strand). Cytogenetic location: 9q34.13.
Variant type: single nucleotide variant.
Coding change: c.7139G>A on transcript NM_015046.7 (MANE Select); coding-DNA position 7139, G replaced by A.
Protein change: p.Arg2380Gln; replaces arginine 2380 with glutamine.
Molecular consequence: missense variant.
Genome position (GRCh38, 1-based): chr9:132,271,770, C>T on the plus strand (G>A on the coding strand, the complement: SETX is on the minus strand). VCF-style: chr9-132271770-C-T. GRCh37 (hg19) VCF-style: chr9-135147157-C-T.
Other names: c.7139G>A, p.Arg2380Gln (NM_001351527.2, NM_001351528.2); short protein forms R2380Q.
Identifiers: ClinVar variation 448343 (VCV000448343.34), dbSNP rs145397619, ClinGen allele CA5296494.
Genomic context (GRCh38, chr9:132,271,770, plus strand): 5'-CCAATTGAACCTTGGATGCTATTTGCTCTGACACACGTAACAATAACACAATCCTTCTGC[C>T]GACCCTGGAATGCATCCACAGTGTCTACTTCTGCTGGTCTATTTACAAAAGAGAAACATA-3'
Protein context (NP_055861.3, residues 2370-2390): EVDTVDAFQG[Arg2380Gln]QKDCVIVTCV

ClinVar aggregate classification (germline): Conflicting classifications of pathogenicity. Review status: criteria provided, conflicting classifications (1 of 4 stars). 8 submissions from 7 submitters: Likely pathogenic (1); Uncertain significance (5); Likely benign (1). 1 of the submissions does not count toward it. Last evaluated 2025-09-10.

Conditions:
Amyotrophic lateral sclerosis type 4 (ALS4). Also called: NEURONOPATHY, DISTAL HEREDITARY MOTOR, WITH PYRAMIDAL FEATURES; AMYOTROPHIC LATERAL SCLEROSIS 4, JUVENILE. Identifiers: Orphanet 357043, MedGen C1865409, MONDO:0011223, OMIM 602433.
Spinocerebellar ataxia, autosomal recessive, with axonal neuropathy 2 (SCAN2). Also called: Ataxia-ocular apraxia-2; Ataxia with Oculomotor Apraxia; Ataxia with Oculomotor Apraxia Type 2; ATAXIA-OCULOMOTOR APRAXIA 2. Identifiers: Orphanet 64753, MedGen C1853761, MONDO:0018996, OMIM 606002.
SETX-related disorder. Also called: SETX-related disorders; SETX-related condition. Identifiers: MedGen CN239403.

Allele frequency attached by ClinVar (database versions not stated): ExAC 0.00001; gnomAD 0.00001; gnomAD exomes 0.00001; TOPMed 0.00003; ESP Exome Variant Server 0.00008.
gnomAD v4.1: 30 of 1,613,868 alleles (0.0019%); highest among the groups gnomAD compares: Non-Finnish European, 0.0025%; no homozygotes.

Submissions (8):

Labcorp Genetics (formerly Invitae), Labcorp
Classification: Likely benign for Amyotrophic lateral sclerosis type 4; Spinocerebellar ataxia, autosomal recessive, with axonal neuropathy 2. Last evaluated: 2025-09-10. Review status: criteria provided, single submitter. Criteria: Invitae Variant Classification Sherloc (09022015). Collection method: clinical testing. Allele origin: germline.

CeGaT Center for Human Genetics Tuebingen
Classification: Likely pathogenic. Last evaluated: 2024-05-01. Review status: criteria provided, single submitter. Criteria: CeGaT Center For Human Genetics Tuebingen Variant Classification Criteria Version 2. Collection method: clinical testing. Allele origin: germline. Affected: yes. Observed: 1 variant allele.
Comment: SETX: PM2, PM3, PM5

Genome-Nilou Lab
Classification: Uncertain significance for Spinocerebellar ataxia, autosomal recessive, with axonal neuropathy 2. Last evaluated: 2023-02-08. Review status: criteria provided, single submitter. Criteria: ACMG Guidelines, 2015. Collection method: clinical testing. Allele origin: germline.

Genome-Nilou Lab
Classification: Uncertain significance for Amyotrophic lateral sclerosis type 4. Last evaluated: 2023-02-08. Review status: criteria provided, single submitter. Criteria: ACMG Guidelines, 2015. Collection method: clinical testing. Allele origin: germline.

Revvity Omics, Revvity
Classification: Uncertain significance. Last evaluated: 2022-01-01. Review status: criteria provided, single submitter. Criteria: ACMG Guidelines, 2015. Collection method: clinical testing. Allele origin: germline.

Genetic Services Laboratory, University of Chicago
Classification: Uncertain significance. Last evaluated: 2021-06-16. Review status: criteria provided, single submitter. Criteria: ACMG Guidelines, 2015. Collection method: clinical testing. Allele origin: germline. Affected: no.
Comment: DNA sequence analysis of the SETX gene demonstrated a sequence change c.7139G>A, in exon 24 that results in an amino acid change, p.Arg2380Gln. This sequence change has been described in three non-Finnish European individuals only in the gnomAD population database (dbSNP rs145397619). This sequence change has been previously described in an individual with ataxia with oculomotor apraxia type 2 (AOA2) however a second variant was not identified (PMID: 19696032). Two other changes affecting the same amino acid residue (p.Arg2380Gly, p.Arg2380Trp) have been reported in the homozygous state in individuals with AOA2 (PMIDs: 19696032, 23111195). The p.Arg2380Gln change affects a highly conserved amino acid residue located in the helicase of the SETX protein and in a region where other pathogenic missense variants have been described. In-silico pathogenicity prediction tools (SIFT, PolyPhen2, Align GVGD, REVEL) provide contradictory results for the p.Arg2380Gln substitution. Due to the lack of functional studies, the clinical significance of the p.Arg2380Gln change remains unknown at this time.

Athena Diagnostics
Classification: Uncertain significance. Last evaluated: 2019-08-08. Review status: criteria provided, single submitter. Criteria: Athena Diagnostics Criteria. Collection method: clinical testing. Allele origin: germline.

PreventionGenetics, part of Exact Sciences
Classification: Uncertain significance for SETX-related condition. Last evaluated: 2023-11-29. Review status: no assertion criteria provided. Collection method: clinical testing. Allele origin: germline. Not counted in ClinVar's aggregate classification.
Comment: The SETX c.7139G>A variant is predicted to result in the amino acid substitution p.Arg2380Gln. This variant was reported along with a SETX nonsense variant in two individuals from a family with spinocerebellar ataxia with axonal neuropathy (Family ATX-27, Baviera-Muñoz et al. 2022. PubMed ID: 36530930). This variant was also reported in the heterozygous state in an individual with spinocerebellar ataxia with axonal neuropathy; however, a second plausible causative variant was not identified (Anheim et al. 2009. PubMed ID: 19696032). This variant is reported in 0.0023% of alleles in individuals of European (Non-Finnish) descent in gnomAD. Different nucleotide substitutions affecting the same amino acid (p.Arg2380Gly and p.Arg2380Trp) have been reported in the homozygous state in individuals with spinocerebellar ataxia with axonal neuropathy (Anheim et al. 2009. PubMed ID: 19696032; Hammer et al. 2012. PubMed ID: 23111195). At this time, the clinical significance of the c.7139G>A (p.Arg2380Gln) variant is uncertain due to the absence of conclusive functional and genetic evidence.

Literature cited by the submitters: PubMed 19696032 (cited by Athena Diagnostics).